The following is an entry in ClinVar:

ClinVar aggregate classification (germline): Uncertain significance. Review status: criteria provided, multiple submitters, no conflicts (2 of 4 stars). 2 submissions from 2 submitters: Uncertain significance (2). Last evaluated 2025-12-22.

Conditions:
Fibrous dysplasia of jaw (CRBM). Also called: Cherubism. Identifiers: Orphanet 184, MedGen C0008029, MONDO:0007315, OMIM 118400.
Inborn genetic diseases. Identifiers: MedGen C0950123, MeSH D030342.

Allele frequency attached by ClinVar (database versions not stated): ExAC 0.00002; gnomAD 0.00002; gnomAD exomes 0.00002; TOPMed 0.00002; ESP Exome Variant Server 0.00008.
gnomAD v4.1: 35 of 1,614,076 alleles (0.0022%); highest among the groups gnomAD compares: Non-Finnish European, 0.0029%; no homozygotes.

Submissions (2):

Labcorp Genetics (formerly Invitae), Labcorp
Classification: Uncertain significance for Fibrous dysplasia of jaw. Last evaluated: 2025-12-22. Review status: criteria provided, single submitter. Criteria: Invitae Variant Classification Sherloc (09022015). Collection method: clinical testing. Allele origin: germline.
Comment: This sequence change replaces arginine, which is basic and polar, with cysteine, which is neutral and slightly polar, at codon 512 of the SH3BP2 protein (p.Arg512Cys). This variant is present in population databases (rs369562627, gnomAD 0.005%). This variant has not been reported in the literature in individuals affected with SH3BP2-related conditions. ClinVar contains an entry for this variant (Variation ID: 577475). Invitae Evidence Modeling of protein sequence and biophysical properties (such as structural, functional, and spatial information, amino acid conservation, physicochemical variation, residue mobility, and thermodynamic stability) indicates that this missense variant is not expected to disrupt SH3BP2 protein function with a negative predictive value of 95%. Algorithms developed to predict the effect of sequence changes on RNA splicing suggest that this variant may disrupt the consensus splice site. In summary, the available evidence is currently insufficient to determine the role of this variant in disease. Therefore, it has been classified as a Variant of Uncertain Significance.

Ambry Genetics
Classification: Uncertain significance for Inborn genetic diseases. Last evaluated: 2023-12-20. Review status: criteria provided, single submitter. Criteria: Ambry Variant Classification Scheme 2023. Collection method: clinical testing. Allele origin: germline.

NM_001122681.2(SH3BP2):c.1534C>T (p.Arg512Cys)

Gene: SH3BP2 (SH3 domain binding protein 2; plus strand). Cytogenetic location: 4p16.3.
Variant type: single nucleotide variant.
Coding change: c.1534C>T on transcript NM_001122681.2 (MANE Select); coding-DNA position 1534, C replaced by T.
Protein change: p.Arg512Cys; replaces arginine 512 with cysteine.
Molecular consequence: missense variant.
Genome position (GRCh38, 1-based): chr4:2,833,035, C>T. VCF-style: chr4-2833035-C-T. GRCh37 (hg19) VCF-style: chr4-2834762-C-T.
Other names: c.1534C>T, p.Arg512Cys (LRG_1334t1, NM_003023.4); c.1618C>T, p.Arg540Cys (LRG_1334t2, NM_001145855.2); c.1705C>T, p.Arg569Cys (NM_001145856.2); short protein forms R512C, R540C, R569C.
Identifiers: ClinVar variation 577475 (VCV000577475.12), dbSNP rs369562627, ClinGen allele CA2819604.
Genomic context (GRCh38, chr4:2,833,035, plus strand): 5'-GCTTCCGTCCTGTAGGTCCTGGTTGTGTGGGACGAAACCTCTAACAAAGTGAGGAACTAT[C>T]GCATTTTTGAGAAGGTGAGAGGGCTCTGAGTGGGACGGGGACCCTGGCCGCATGGCCTGG-3'
Protein context (NP_001116153.1, residues 502-522): DETSNKVRNY[Arg512Cys]IFEKDSKFYL